The following is an entry in ClinVar:

ClinVar aggregate classification (germline): Conflicting classifications of pathogenicity. Review status: criteria provided, conflicting classifications (1 of 4 stars). 6 submissions from 6 submitters: Likely pathogenic (5); Uncertain significance (1). Last evaluated 2026-01-20.

Conditions:
Congenital myasthenic syndrome (CMS). Also called: Congenital Myasthenic Syndromes. Identifiers: Orphanet 590, MedGen C0751882, MeSH D020294, MONDO:0018940.
Congenital myasthenic syndrome 5. Identifiers: Orphanet 590, MedGen C1864233, MONDO:0011281, OMIM 603034.

Allele frequency attached by ClinVar (database versions not stated): ExAC 0.00001; gnomAD 0.00003 and 0.00004; gnomAD exomes 0.00002; ESP Exome Variant Server 0.00008; TOPMed 0.00008.
gnomAD v4.1: 41 of 1,614,102 alleles (0.0025%); highest among the groups gnomAD compares: East Asian, 0.069%; 1 homozygote.

Submissions (6):

Labcorp Genetics (formerly Invitae), Labcorp
Classification: Likely pathogenic for Congenital myasthenic syndrome 5. Last evaluated: 2026-01-20. Review status: criteria provided, single submitter. Criteria: Invitae Variant Classification Sherloc (09022015). Collection method: clinical testing. Allele origin: germline.
Comment: This sequence change replaces arginine, which is basic and polar, with cysteine, which is neutral and slightly polar, at codon 452 of the COLQ protein (p.Arg452Cys). This variant is present in population databases (rs368932156, gnomAD 0.02%). This missense change has been observed in individual(s) with clinical features of congenital myasthenic syndrome (PMID: 23553736, 37238317). In at least one individual the data is consistent with being in trans (on the opposite chromosome) from a pathogenic variant. ClinVar contains an entry for this variant (Variation ID: 861918). Invitae Evidence Modeling of protein sequence and biophysical properties (such as structural, functional, and spatial information, amino acid conservation, physicochemical variation, residue mobility, and thermodynamic stability) indicates that this missense variant is not expected to disrupt COLQ protein function with a negative predictive value of 80%. Experimental studies have shown that this missense change affects COLQ function (PMID: 23553736). In summary, the currently available evidence indicates that the variant is pathogenic, but additional data are needed to prove that conclusively. Therefore, this variant has been classified as Likely Pathogenic.

Dasa
Classification: Likely pathogenic. Last evaluated: 2025-12-22. Review status: criteria provided, single submitter. Criteria: DASA Assertion Criteria. Collection method: clinical testing. Allele origin: germline.
Comment: NM_005677.4(COLQ):c.1354C>T (p.Arg452Cys) is a missense variant that results in the substitution of arginine with cysteine. This variant has been recurrently observed in individuals with COLQ-related disorders (PMID: 37238317; PMID: 23553736). Functional evidence supports an impact on the gene or gene product. Also, this variant is rare in population databases. Computational evidence supports a deleterious effect. Based on the currently available evidence, this variant is classified as likely pathogenic.

Women's Health and Genetics/Laboratory Corporation of America, LabCorp
Classification: Likely pathogenic for Congenital myasthenic syndrome. Last evaluated: 2025-06-11. Review status: criteria provided, single submitter. Criteria: LabCorp Variant Classification Summary - May 2015. Collection method: clinical testing. Allele origin: germline.
Comment: Variant summary: COLQ c.1354C>T (p.Arg452Cys) results in a non-conservative amino acid change in the encoded protein sequence. Algorithms developed to predict the effect of missense changes on protein structure and function all suggest that this variant is likely to be disruptive. The variant allele was found at a frequency of 2.5e-05 in 1614102 control chromosomes in the gnomAD database, including 1 homozygote. This frequency is not significantly higher than estimated for a pathogenic variant in COLQ causing Congenital Myasthenic Syndrome (2.5e-05 vs 0.0014), allowing no conclusion about variant significance. c.1354C>T has been reported in the literature as a compound heterozygous genotype in individuals affected with Congenital Myasthenic Syndrome (example: Nakata_2013, Cho_2020, Horibe_2023, Theuriet_2024). These data indicate that the variant is likely to be associated with disease. At least one publication reports experimental evidence evaluating an impact on protein function (example: Nakata_2013). The most pronounced variant effect results in less than 50% of normal acetylcholinesterase (AChE) activity in-vitro and protein mislocalization. The following publications have been ascertained in the context of this evaluation (PMID: 37238317, 23553736, 38696726). ClinVar contains an entry for this variant (Variation ID: 861918). Based on the evidence outlined above, the variant was classified as likely pathogenic.

Fulgent Genetics
Classification: Likely pathogenic for Congenital myasthenic syndrome 5. Last evaluated: 2024-05-13. Review status: criteria provided, single submitter. Criteria: ACMG Guidelines, 2015. Collection method: clinical testing. Allele origin: germline.

Baylor Genetics
Classification: Likely pathogenic for Congenital myasthenic syndrome 5. Last evaluated: 2024-02-18. Review status: criteria provided, single submitter. Criteria: ACMG Guidelines, 2015. Collection method: clinical testing. Allele origin: unknown.

Revvity Omics, Revvity
Classification: Uncertain significance for Congenital myasthenic syndrome 5. Last evaluated: 2019-05-01. Review status: criteria provided, single submitter. Criteria: ACMG Guidelines, 2015. Collection method: clinical testing. Allele origin: germline.

Literature cited by the submitters: PubMed 23553736 (cited by 3 submitters); PubMed 37238317 (cited by 3 submitters); PubMed 38696726 (cited by Women's Health and Genetics/Laboratory Corporation of America, LabCorp).

NM_005677.4(COLQ):c.1354C>T (p.Arg452Cys)

Gene: COLQ (collagen like tail subunit of asymmetric acetylcholinesterase; minus strand). Cytogenetic location: 3p25.1.
Variant type: single nucleotide variant.
Coding change: c.1354C>T on transcript NM_005677.4 (MANE Select); coding-DNA position 1354, C replaced by T.
Protein change: p.Arg452Cys; replaces arginine 452 with cysteine.
Molecular consequence: missense variant.
Genome position (GRCh38, 1-based): chr3:15,451,658, G>A on the plus strand (C>T on the coding strand, the complement: COLQ is on the minus strand). VCF-style: chr3-15451658-G-A. GRCh37 (hg19) VCF-style: chr3-15493165-G-A.
Other names: c.1324C>T, p.Arg442Cys (NM_080538.2); c.1252C>T, p.Arg418Cys (NM_080539.4); short protein forms R442C, R418C, R452C.
Identifiers: ClinVar variation 861918 (VCV000861918.18), dbSNP rs368932156, ClinGen allele CA2275769.
Genomic context (GRCh38, chr3:15,451,658, plus strand): 5'-CTGCTGCCAGTTCTGTGGGGCGCAGCCCACCTTCTCCTCACGGCCCTCAGGTGAAGTAGC[G>A]GCAGGGCGTGGAGTCGATGTAGCAGTACTGGGTGCATTGCAGGTCTCCATATGACCTGAG-3'
Protein context (NP_005668.2, residues 442-455): QYCYIDSTPC[Arg452Cys]YFT